The following is an entry in ClinVar:

NM_020822.3(KCNT1):c.2137G>A (p.Val713Ile)

Gene: KCNT1 (potassium sodium-activated channel subfamily T member 1; plus strand). Cytogenetic location: 9q34.3.
Variant type: single nucleotide variant.
Coding change: c.2137G>A on transcript NM_020822.3 (MANE Select); coding-DNA position 2137, G replaced by A.
Protein change: p.Val713Ile; replaces valine 713 with isoleucine.
Molecular consequence: missense variant.
Genome position (GRCh38, 1-based): chr9:135,772,843, G>A. VCF-style: chr9-135772843-G-A. GRCh37 (hg19) VCF-style: chr9-138664689-G-A.
Other names: c.2002G>A, p.Val668Ile (NM_001272003.2); short protein forms V668I, V713I.
Identifiers: ClinVar variation 847699 (VCV000847699.11), dbSNP rs945869943, ClinGen allele CA201474716.

ClinVar aggregate classification (germline): Conflicting classifications of pathogenicity. Review status: criteria provided, conflicting classifications (1 of 4 stars). 2 submissions from 2 submitters: Uncertain significance (1); Likely benign (1). Last evaluated 2025-12-22.

Conditions:
Autosomal dominant nocturnal frontal lobe epilepsy 5. Also called: CILIARY DYSKINESIA, PRIMARY, 28, WITHOUT SITUS INVERSUS; KCNT1-Related Epilepsy; CILIARY DYSKINESIA, PRIMARY, 28, WITH SITUS INVERSUS; Epilepsy, nocturnal frontal lobe, 5. Identifiers: Orphanet 98784, MedGen C3554306, MONDO:0014002, OMIM 615005.
Developmental and epileptic encephalopathy, 14 (DEE14). Also called: Early infantile epileptic encephalopathy 14. Identifiers: Orphanet 293181, MedGen C3554195, MONDO:0013989, OMIM 614959.

Allele frequency attached by ClinVar (database versions not stated): gnomAD 0.00001; TOPMed 0.00004.
gnomAD v4.1: 12 of 1,542,524 alleles (0.00078%); highest among the groups gnomAD compares: Admixed American, 0.002%; no homozygotes.

Submissions (2):

Labcorp Genetics (formerly Invitae), Labcorp
Classification: Uncertain significance for Autosomal dominant nocturnal frontal lobe epilepsy 5; Developmental and epileptic encephalopathy, 14. Last evaluated: 2025-12-22. Review status: criteria provided, single submitter. Criteria: Invitae Variant Classification Sherloc (09022015). Collection method: clinical testing. Allele origin: germline.
Comment: This sequence change replaces valine, which is neutral and non-polar, with isoleucine, which is neutral and non-polar, at codon 713 of the KCNT1 protein (p.Val713Ile). This variant is not present in population databases (gnomAD no frequency). This variant has not been reported in the literature in individuals affected with KCNT1-related conditions. ClinVar contains an entry for this variant (Variation ID: 847699). Invitae Evidence Modeling of protein sequence and biophysical properties (such as structural, functional, and spatial information, amino acid conservation, physicochemical variation, residue mobility, and thermodynamic stability) indicates that this missense variant is not expected to disrupt KCNT1 protein function with a negative predictive value of 80%. In summary, the available evidence is currently insufficient to determine the role of this variant in disease. Therefore, it has been classified as a Variant of Uncertain Significance.

GeneDx
Classification: Likely benign. Last evaluated: 2021-02-16. Review status: criteria provided, single submitter. Criteria: GeneDx Variant Classification Process June 2021. Collection method: clinical testing. Allele origin: germline. Affected: yes.
Comment: In silico analysis supports that this missense variant does not alter protein structure/function; Has not been previously published as pathogenic or benign to our knowledge